The following is an entry in ClinVar:

ClinVar aggregate classification (germline): Likely pathogenic (1 of 4 stars; one submission).

Conditions:
Autosomal dominant ACAN-related disorders.

Submission:

Variantyx, Inc.
Classification: Likely pathogenic for Autosomal dominant ACAN-related disorders. Last evaluated: 2026-01-21. Review status: criteria provided, single submitter. Criteria: Variantyx Assertion Criteria 2022. Collection method: clinical testing. Allele origin: germline. Inheritance: Autosomal dominant inheritance. Affected: yes.
Comment: This is a frameshift variant in the ACAN gene (OMIM: 155760). Pathogenic variants in this gene have been associated with autosomal dominant ACAN-related disorders. This variant introduces a premature termination codon in exon 9 out of 19 and is expected to result in loss of function, which is a known disease mechanism for ACAN in this disorder (PMID: 27353333, 24762113, 7574678) (PVS1). It is absent from control populations (PM2). Based on the current evidence, this variant is classified as likely pathogenic for autosomal dominant ACAN-related disorders.

Literature cited by the submitters: PubMed 27353333; PubMed 24762113; PubMed 7574678.

NM_001369268.1(ACAN):c.1620_1621delinsG (p.Ser540fs)

Gene: ACAN (aggrecan; plus strand). Cytogenetic location: 15q26.1.
Variant type: Indel.
Coding change: c.1620_1621delinsG on transcript NM_001369268.1 (MANE Select); coding-DNA positions 1620 to 1621, CC replaced by G.
Protein change: p.Ser540fs; shifts the reading frame from serine 540.
Molecular consequence: frameshift variant.
Genome position (GRCh38, 1-based): chr15:88,847,926-88,847,927, CC replaced by G. VCF-style: chr15-88847926-CC-G. GRCh37 (hg19) VCF-style: chr15-89391157-CC-G.
Other names: c.1620_1621delinsG, p.Ser540fs (NM_001135.4, NM_001411096.1, NM_001411097.1 and 1 more transcripts); short protein forms S540fs.
Identifiers: ClinVar variation 4850013 (VCV004850013.1).